The following is an entry in ClinVar:

NM_031935.3(HMCN1):c.10954G>A (p.Val3652Ile)

Gene: HMCN1 (hemicentin 1; plus strand). Cytogenetic location: 1q31.1.
Variant type: single nucleotide variant.
Coding change: c.10954G>A on transcript NM_031935.3 (MANE Select); coding-DNA position 10954, G replaced by A.
Protein change: p.Val3652Ile; replaces valine 3652 with isoleucine.
Molecular consequence: missense variant.
Genome position (GRCh38, 1-based): chr1:186,108,562, G>A. VCF-style: chr1-186108562-G-A. GRCh37 (hg19) VCF-style: chr1-186077694-G-A.
Other names: short protein forms V3652I.
Identifiers: ClinVar variation 3858090 (VCV003858090.2).
Genomic context (GRCh38, chr1:186,108,562, plus strand): 5'-ACTGTGTTACGGAACAGACAAGTGACATTGGAATGCAAGTCAGATGCAGTGCCCCCACCT[G>A]TAATTACTTGGCTCAGAAATGGAGAACGGTTACAGGTAAATTTTTTGATAAGCTCCACAA-3'
Protein context (NP_114141.2, residues 3642-3662): ECKSDAVPPP[Val3652Ile]ITWLRNGERL

ClinVar aggregate classification (germline): Uncertain significance. Review status: criteria provided, multiple submitters, no conflicts (2 of 4 stars). 2 submissions from 2 submitters: Uncertain significance (2). Last evaluated 2025-06-17.

gnomAD v4.1: 51 of 1,613,956 alleles (0.0032%); highest among the groups gnomAD compares: Admixed American, 0.0033%; no homozygotes.

Submissions (2):

Labcorp Genetics (formerly Invitae), Labcorp
Classification: Uncertain significance. Last evaluated: 2025-06-17. Review status: criteria provided, single submitter. Criteria: Invitae Variant Classification Sherloc (09022015). Collection method: clinical testing. Allele origin: germline.
Comment: This sequence change replaces valine, which is neutral and non-polar, with isoleucine, which is neutral and non-polar, at codon 3652 of the HMCN1 protein (p.Val3652Ile). This variant is present in population databases (rs370395405, gnomAD 0.01%). This variant has not been reported in the literature in individuals affected with HMCN1-related conditions. ClinVar contains an entry for this variant (Variation ID: 3858090). An algorithm developed to predict the effect of missense changes on protein structure and function outputs the following: PolyPhen-2: "Possibly Damaging". The isoleucine amino acid residue is found in multiple mammalian species, which suggests that this missense change does not adversely affect protein function. In summary, the available evidence is currently insufficient to determine the role of this variant in disease. Therefore, it has been classified as a Variant of Uncertain Significance.

Ambry Genetics
Classification: Uncertain significance. Last evaluated: 2025-02-18. Review status: criteria provided, single submitter. Criteria: Ambry Variant Classification Scheme 2023. Collection method: clinical testing. Allele origin: germline.